The following is an entry in ClinVar:

NM_199437.2(PRDM10):c.1238G>T (p.Arg413Leu)

Gene: PRDM10 (PR/SET domain 10; minus strand). Cytogenetic location: 11q24.3.
Variant type: single nucleotide variant.
Coding change: c.1238G>T on transcript NM_199437.2 (MANE Select); coding-DNA position 1238, G replaced by T.
Protein change: p.Arg413Leu; replaces arginine 413 with leucine.
Molecular consequence: missense variant.
Genome position (GRCh38, 1-based): chr11:129,932,151, C>A on the plus strand (G>T on the coding strand, the complement: PRDM10 is on the minus strand). VCF-style: chr11-129932151-C-A. GRCh37 (hg19) VCF-style: chr11-129802046-C-A.
Other names: p.Arg413Leu; c.389G>T, p.Arg130Leu (NM_001367897.1, NM_001367895.1, NM_001367896.1); c.980G>T, p.Arg327Leu (NM_001367898.1, NM_001367899.1, NM_199438.2 and 1 more transcripts); c.1238G>T, p.Arg413Leu (NM_020228.3, NM_001367890.1, NM_001367893.1 and 1 more transcripts); c.1178G>T, p.Arg393Leu (NM_001367891.1); c.1172G>T, p.Arg391Leu (NM_001367892.1); short protein forms R327L, R391L, R130L, R413L, R393L.
Identifiers: ClinVar variation 2223167 (VCV002223167.5), dbSNP rs572787698, ClinGen allele CA6362114.

ClinVar aggregate classification (germline): Uncertain significance. Review status: criteria provided, multiple submitters, no conflicts (2 of 4 stars). 2 submissions from 2 submitters: Uncertain significance (2). Last evaluated 2025-10-21.

Conditions:
Birt-Hogg-Dube syndrome 2 (BHD2). Identifiers: MedGen C5830676, MONDO:0800455, OMIM 620459.

Allele frequency attached by ClinVar (database versions not stated): 1000 Genomes Project 30x 0.00016; gnomAD 0.00001; ExAC 0.00002; 1000 Genomes Project 0.00020.
gnomAD v4.1: 44 of 1,614,052 alleles (0.0027%); highest among the groups gnomAD compares: South Asian, 0.0066%; no homozygotes.

Submissions (2):

Ambry Genetics
Classification: Uncertain significance. Last evaluated: 2025-10-21. Review status: criteria provided, single submitter. Criteria: Ambry Variant Classification Scheme 2023. Collection method: clinical testing. Allele origin: germline.

Foundation for Research in Genetics and Endocrinology, FRIGE's Institute of Human Genetics
Classification: Uncertain significance for Birt-Hogg-Dube syndrome 2. Last evaluated: 2025-02-17. Review status: criteria provided, single submitter. Criteria: ACMG Guidelines, 2015. Collection method: clinical testing. Allele origin: germline. Inheritance: Autosomal dominant inheritance. Affected: yes. Observed: 1 heterozygote.
Comment: A heterozygous missense variant in exon 10 of the PRDM10 gene that results in the amino acid substitution of Arginine for Leucine at codon 413 was detected. The observed variant c.1238G>T (p.Arg413Leu) has not been reported in the 1000 genomes and has a MAF of 0.0027% in gnomAD databases. The in silico prediction of the variant are damaging by DANN and MutationTaster2. The reference codon is conserved across species. In summary, the variant meets our criteria to be classified as variant of uncertain significance.